The following is an entry in ClinVar:

NM_012310.5(KIF4A):c.2619+7dup

Gene: KIF4A (kinesin family member 4A; plus strand). Cytogenetic location: Xq13.1.
Variant type: Duplication.
Coding change: c.2619+7dup on transcript NM_012310.5 (MANE Select); 7 bases into the intron after coding-DNA position 2619, one base duplicated (A; older notation c.2619+7dupA).
Molecular consequence: intron variant.
Genome position (GRCh38, 1-based): chrX:70,402,702, A duplicated. VCF-style (leftmost placement, unchanged base first): chrX-70402701-C-CA. GRCh37 (hg19) VCF-style: chrX-69622551-C-CA.
Identifiers: ClinVar variation 753139 (VCV000753139.45), dbSNP rs768681922, ClinGen allele CA10441352.

ClinVar aggregate classification (germline): Likely benign. Review status: criteria provided, multiple submitters, no conflicts (2 of 4 stars). 2 submissions from 2 submitters: Likely benign (2). Last evaluated 2025-09-01.

Allele frequency attached by ClinVar (database versions not stated): gnomAD 0.00002 and 0.00004; TOPMed 0.00004; ExAC 0.00005; gnomAD exomes 0.00008 and 0.00012; ESP Exome Variant Server 0.00020.

Submissions (2):

CeGaT Center for Human Genetics Tuebingen
Classification: Likely benign. Last evaluated: 2025-09-01. Review status: criteria provided, single submitter. Criteria: CeGaT Center For Human Genetics Tuebingen Variant Classification Criteria Version 2. Collection method: clinical testing. Allele origin: germline. Affected: yes. Observed: 5 variant alleles.
Comment: KIF4A: BP4, BS2

Labcorp Genetics (formerly Invitae), Labcorp
Classification: Likely benign. Last evaluated: 2018-08-07. Review status: criteria provided, single submitter. Criteria: Invitae Variant Classification Sherloc (09022015). Collection method: clinical testing. Allele origin: germline.